The following is an entry in ClinVar:

NM_000465.4(BARD1):c.616dup (p.Gln206fs)

Gene: BARD1 (BRCA1 associated RING domain 1; minus strand). Cytogenetic location: 2q35.
Variant type: Duplication.
Coding change: c.616dup on transcript NM_000465.4 (MANE Select); coding-DNA position 616, one base duplicated (C; older notation c.616dupC).
Protein change: p.Gln206fs; shifts the reading frame from glutamine 206.
Molecular consequence: frameshift variant. On other transcripts: non-coding transcript variant (2), intron variant (3).
Genome position (GRCh38, 1-based): chr2:214,781,258, G duplicated on the plus strand (C on the coding strand, the reverse complement: BARD1 is on the minus strand). VCF-style (leftmost placement, unchanged base first): chr2-214781257-T-TG. GRCh37 (hg19) VCF-style: chr2-215645981-T-TG.
Other names: c.559dup, p.Gln187fs (NM_001282543.2); c.158+28154dup (NM_001282548.2); c.215+15803dup (NM_001282545.2); c.364+11039dup (NM_001282549.2); short protein forms Q187fs, Q206fs.
Identifiers: ClinVar variation 1072209 (VCV001072209.8), dbSNP rs2106111411, ClinGen allele CA2499215632.

ClinVar aggregate classification (germline): Pathogenic (1 of 4 stars; one submission).

Conditions:
Familial cancer of breast. Also called: Hereditary breast cancer; hereditary breast carcinoma; BREAST CANCER, FAMILIAL. Identifiers: Orphanet 227535, MedGen C0346153, MONDO:0016419, OMIM 114480. Disease mechanism: loss of function.

Submission:

Labcorp Genetics (formerly Invitae), Labcorp
Classification: Pathogenic for Familial cancer of breast. Last evaluated: 2020-09-24. Review status: criteria provided, single submitter. Criteria: Invitae Variant Classification Sherloc (09022015). Collection method: clinical testing. Allele origin: germline.
Comment: Loss-of-function variants in BARD1 are known to be pathogenic (PMID: 20077502, 21344236). This variant has not been reported in the literature in individuals with BARD1-related conditions. This variant is not present in population databases (ExAC no frequency). This sequence change creates a premature translational stop signal (p.Gln206Profs*8) in the BARD1 gene. It is expected to result in an absent or disrupted protein product. For these reasons, this variant has been classified as Pathogenic.

Literature cited by the submitters: PubMed 20077502; PubMed 21344236.